The following is an entry in ClinVar:

NM_031935.3(HMCN1):c.5243T>C (p.Val1748Ala)

Gene: HMCN1 (hemicentin 1; plus strand). Cytogenetic location: 1q31.1.
Variant type: single nucleotide variant.
Coding change: c.5243T>C on transcript NM_031935.3 (MANE Select); coding-DNA position 5243, T replaced by C.
Protein change: p.Val1748Ala; replaces valine 1748 with alanine.
Molecular consequence: missense variant.
Genome position (GRCh38, 1-based): chr1:186,017,014, T>C. VCF-style: chr1-186017014-T-C. GRCh37 (hg19) VCF-style: chr1-185986146-T-C.
Other names: short protein forms V1748A.
Identifiers: ClinVar variation 2064247 (VCV002064247.4), dbSNP rs780901788, ClinGen allele CA1292209.
Genomic context (GRCh38, chr1:186,017,014, plus strand): 5'-GTTTTCTAGTGCCACCAGCTATAGAAGGAGGAGATGAAACATCTTACTTCATTGTGATGG[T>C]TAATAACTTACTGGAGCTAGATTGTCATGTGACAGGCTCTCCCCCACCAACTATCATGTA-3'
Protein context (NP_114141.2, residues 1738-1758): GDETSYFIVM[Val1748Ala]NNLLELDCHV

ClinVar aggregate classification (germline): Uncertain significance (1 of 4 stars; one submission).

Allele frequency attached by ClinVar (database versions not stated): gnomAD exomes below 0.00001; TOPMed below 0.00001; ExAC 0.00002; gnomAD 0.00002.
gnomAD v4.1: 9 of 1,610,626 alleles (0.00056%); highest among the groups gnomAD compares: Admixed American, 0.0067%; no homozygotes.

Submission:

Labcorp Genetics (formerly Invitae), Labcorp
Classification: Uncertain significance. Last evaluated: 2025-04-18. Review status: criteria provided, single submitter. Criteria: Invitae Variant Classification Sherloc (09022015). Collection method: clinical testing. Allele origin: germline.
Comment: This sequence change replaces valine, which is neutral and non-polar, with alanine, which is neutral and non-polar, at codon 1748 of the HMCN1 protein (p.Val1748Ala). This variant is present in population databases (rs780901788, gnomAD 0.006%). This variant has not been reported in the literature in individuals affected with HMCN1-related conditions. ClinVar contains an entry for this variant (Variation ID: 2064247). An algorithm developed to predict the effect of missense changes on protein structure and function outputs the following: PolyPhen-2: "Benign". The alanine amino acid residue is found in multiple mammalian species, which suggests that this missense change does not adversely affect protein function. In summary, the available evidence is currently insufficient to determine the role of this variant in disease. Therefore, it has been classified as a Variant of Uncertain Significance.